The following is an entry in ClinVar:

NM_000152.5(GAA):c.2174G>C (p.Arg725Pro)

Gene: GAA (alpha glucosidase; plus strand). Cytogenetic location: 17q25.3.
Variant type: single nucleotide variant.
Coding change: c.2174G>C on transcript NM_000152.5 (MANE Select); coding-DNA position 2174, G replaced by C.
Protein change: p.Arg725Pro; replaces arginine 725 with proline.
Molecular consequence: missense variant.
Genome position (GRCh38, 1-based): chr17:80,113,351, G>C. VCF-style: chr17-80113351-G-C. GRCh37 (hg19) VCF-style: chr17-78087150-G-C.
Other names: NM_001079804.3:c.2174G>C; c.2174G>C, p.Arg725Pro (NM_001079803.3, NM_001079804.3, NM_001406741.1 and 1 more transcripts); short protein forms R725P.
Identifiers: ClinVar variation 4086092 (VCV004086092.2).

ClinVar aggregate classification (germline): Likely pathogenic. Review status: reviewed by expert panel (3 of 4 stars). 2 submissions from 2 submitters: Likely pathogenic (1). 1 of the submissions does not count toward it. Last evaluated 2025-08-31.

Conditions:
Glycogen storage disease, type II (IOPD). Also called: CARDIOMEGALIA GLYCOGENICA DIFFUSA; GLYCOGENOSIS, GENERALIZED, CARDIAC FORM; GSD II; Glycogen storage disease type 2; Acid maltase deficiency disease; Aglucosidase alfa. Identifiers: Orphanet 365, MedGen C0017921, MONDO:0009290, OMIM 232300.

Submissions (2):

ClinGen Lysosomal Storage Disorder Variant Curation Expert Panel
Classification: Likely pathogenic for Glycogen storage disease, type II. Last evaluated: 2025-08-31. Review status: reviewed by expert panel. Criteria: clingen_lsd_acmg_specifications_v2-1. Collection method: curation. Allele origin: germline. Inheritance: Autosomal recessive inheritance.
Comment: The NM_000152.5:c.2174G>C variant in GAA is a missense variant that results in the substitution of arginine by proline at amino acid 725 (p.Arg725Pro). This patient was compound heterozygous for the variant and another variant in GAA that has been classified as pathogenic by the ClinGen LD VCEP, c.1935C>A (p.Asp645Glu) (ClinVar Variation ID: 4029) (PMID: 18458862); the phase is unknown. 0.5 points (PM3_Supporting). The variant is absent in gnomAD v4.1.0. (PM2_Supporting). The computational predictor REVEL gives a score of 0.973 which is above the threshold of 0.7, evidence that correlates with impact to GAA function (PP3). Another missense change at the same amino acid position, c.2173C>T (p.Arg725Trp) (ClinVar Variation ID: 4024), has been classified as pathogenic by the LD VCEP (PM5). In addition, c.2174G>A (p.Arg725Gln) (ClinVar Variation ID: 555727) has been identified in an individuals with a positive newborn screen for Pompe disease and is classified as a VUS by the LD VCEP. In summary, this variant meets the criteria to be classified as likely pathogenic for Pompe disease. GAA-specific ACMG/AMP criteria applied, as specified by the ClinGen Lysosomal Diseases Variant Curation Expert Panel (Specifications Version 2.0.0.): PM5, PP4_Moderate, PP3, PM2_Supporting, PM3_Supporting (Classification approved by the ClinGen Lysosomal Diseases Variant Curation Expert Panel, August 31, 2025)

Genomenon, Inc
Classification: Likely pathogenic for Glycogen storage disease, type II. Last evaluated: 2026-07-01. Review status: criteria provided, single submitter. Criteria: Genomenon Sequence Variant Interpretation Standards - Updated. Collection method: curation. Allele origin: germline. Affected: yes. Not counted in ClinVar's aggregate classification.
Comment: GAA p.Arg725Pro (c.2174G>C) is a missense variant that changes the amino acid at codon 725 from Arginine to Proline. This variant has been observed in at least one proband with a GAA-related disorder in the compound heterozygous and/or homozygous state (PMID:18458862). The presence of pathogenic/likely pathogenic missense variant(s) at the same amino acid position indicates that this residue is likely important for protein function. It is absent or not present at a significant frequency in gnomAD. In silico models predict that this variant is possibly or probably damaging. In conclusion, we classify GAA p.Arg725Pro (c.2174G>C) as a likely pathogenic variant.

Literature cited by the submitters: PubMed 18458862 (cited by Genomenon, Inc).